The following is an entry in ClinVar:

NM_017654.4(SAMD9):c.2503T>C (p.Cys835Arg)

Gene: SAMD9 (sterile alpha motif domain containing 9; minus strand). Cytogenetic location: 7q21.2.
Variant type: single nucleotide variant.
Coding change: c.2503T>C on transcript NM_017654.4 (MANE Select); coding-DNA position 2503, T replaced by C.
Protein change: p.Cys835Arg; replaces cysteine 835 with arginine.
Molecular consequence: missense variant.
Genome position (GRCh38, 1-based): chr7:93,103,595, A>G on the plus strand (T>C on the coding strand, the complement: SAMD9 is on the minus strand). VCF-style: chr7-93103595-A-G. GRCh37 (hg19) VCF-style: chr7-92732908-A-G.
Other names: c.2503T>C, p.Cys835Arg (NM_001193307.2); short protein forms C835R.
Identifiers: ClinVar variation 2418947 (VCV002418947.5), dbSNP rs1211174577, ClinGen allele CA368190365.

ClinVar aggregate classification (germline): Uncertain significance. Review status: criteria provided, multiple submitters, no conflicts (2 of 4 stars). 2 submissions from 2 submitters: Uncertain significance (2). Last evaluated 2025-07-09.

Allele frequency attached by ClinVar (database versions not stated): TOPMed 0.00001; gnomAD 0.00002; gnomAD exomes 0.00002.

Submissions (2):

Labcorp Genetics (formerly Invitae), Labcorp
Classification: Uncertain significance. Last evaluated: 2025-07-09. Review status: criteria provided, single submitter. Criteria: Invitae Variant Classification Sherloc (09022015). Collection method: clinical testing. Allele origin: germline.
Comment: This sequence change replaces cysteine, which is neutral and slightly polar, with arginine, which is basic and polar, at codon 835 of the SAMD9 protein (p.Cys835Arg). This variant is present in population databases (no rsID available, gnomAD 0.002%). This missense change has been observed in individual(s) with myelodysplastic/myeloproliferative neoplasms (PMID: 31309983). ClinVar contains an entry for this variant (Variation ID: 2418947). Invitae Evidence Modeling of protein sequence and biophysical properties (such as structural, functional, and spatial information, amino acid conservation, physicochemical variation, residue mobility, and thermodynamic stability) has been performed for this missense variant. However, the output from this modeling did not meet the statistical confidence thresholds required to predict the impact of this variant on SAMD9 protein function. In summary, the available evidence is currently insufficient to determine the role of this variant in disease. Therefore, it has been classified as a Variant of Uncertain Significance.

Women's Health and Genetics/Laboratory Corporation of America, LabCorp
Classification: Uncertain significance. Last evaluated: 2024-04-15. Review status: criteria provided, single submitter. Criteria: LabCorp Variant Classification Summary - May 2015. Collection method: clinical testing. Allele origin: germline.
Comment: Variant summary: SAMD9 c.2503T>C (p.Cys835Arg) results in a non-conservative amino acid change in the encoded protein sequence. Five of five in-silico tools predict a damaging effect of the variant on protein function. The variant allele was found at a frequency of 4e-06 in 250760 control chromosomes. The available data on variant occurrences in the general population are insufficient to allow any conclusion about variant significance. c.2503T>C has been reported in the literature in individuals affected with Myelodysplastic/myeloproliferative neoplasm syndrome (Weinberg_2019). These data do not allow any conclusion about variant significance. To our knowledge, no experimental evidence demonstrating an impact on protein function has been reported. The following publication have been ascertained in the context of this evaluation (PMID: 31309983). ClinVar contains an entry for this variant (Variation ID: 2418947). Based on the evidence outlined above, the variant was classified as uncertain significance.

Literature cited by the submitters: PubMed 31309983 (cited by Labcorp Genetics (formerly Invitae), Labcorp and Women's Health and Genetics/Laboratory Corporation of America, LabCorp).